The following is an entry in ClinVar:

NM_000489.6(ATRX):c.6651C>A (p.Asp2217Glu)

Gene: ATRX (ATRX chromatin remodeler; minus strand). Cytogenetic location: Xq21.1.
Variant type: single nucleotide variant.
Coding change: c.6651C>A on transcript NM_000489.6 (MANE Select); coding-DNA position 6651, C replaced by A.
Protein change: p.Asp2217Glu; replaces aspartic acid 2217 with glutamic acid.
Molecular consequence: missense variant.
Genome position (GRCh38, 1-based): chrX:77,557,499, G>T on the plus strand (C>A on the coding strand, the complement: ATRX is on the minus strand). VCF-style: chrX-77557499-G-T. GRCh37 (hg19) VCF-style: chrX-76812970-G-T.
Other names: c.6537C>A, p.Asp2179Glu (NM_138270.5); short protein forms D2179E, D2217E.
Identifiers: ClinVar variation 1506428 (VCV001506428.6), dbSNP rs2147941386, ClinGen allele CA413698592.
Genomic context (GRCh38, chrX:77,557,499, plus strand): 5'-AAATATGTTTACCTTTGGCAGCATGGGAGTATCCCTCTTCTTCTTCTTTTCTGAATTAGG[G>T]TCATCTAATAAGTCTGGCTCAAAAGTATAAAGTTCAGTAAGCTCATTCATAGTAAAATGA-3'
Protein context (NP_000480.3, residues 2207-2227): LYTFEPDLLD[Asp2217Glu]PNSEKKKKRD

ClinVar aggregate classification (germline): Uncertain significance (1 of 4 stars; one submission).

Conditions:
Alpha thalassemia-X-linked intellectual disability syndrome (ATRX). Also called: X-linked alpha-thalassemia-mental retardation syndrome; ALPHA-THALASSEMIA/IMPAIRED INTELLECTUAL DEVELOPMENT SYNDROME, X-LINKED; ALPHA-THALASSEMIA/MENTAL RETARDATION SYNDROME, X-LINKED; ATR, NONDELETION TYPE; ATR-X syndrome; Alpha thalassemia mental retardation syndrome, nondeletion type, X-linked. Identifiers: Orphanet 847, MedGen C1845055, MONDO:0010519, OMIM 301040.

Submission:

Labcorp Genetics (formerly Invitae), Labcorp
Classification: Uncertain significance for Alpha thalassemia-X-linked intellectual disability syndrome. Last evaluated: 2025-05-22. Review status: criteria provided, single submitter. Criteria: Invitae Variant Classification Sherloc (09022015). Collection method: clinical testing. Allele origin: germline.
Comment: This sequence change replaces aspartic acid, which is acidic and polar, with glutamic acid, which is acidic and polar, at codon 2217 of the ATRX protein (p.Asp2217Glu). This variant is not present in population databases (gnomAD no frequency). This variant has not been reported in the literature in individuals affected with ATRX-related conditions. ClinVar contains an entry for this variant (Variation ID: 1506428). Invitae Evidence Modeling of protein sequence and biophysical properties (such as structural, functional, and spatial information, amino acid conservation, physicochemical variation, residue mobility, and thermodynamic stability) indicates that this missense variant is not expected to disrupt ATRX protein function with a negative predictive value of 95%. In summary, the available evidence is currently insufficient to determine the role of this variant in disease. Therefore, it has been classified as a Variant of Uncertain Significance.